The following is an entry in ClinVar:

ClinVar aggregate classification (germline): Benign/Likely benign. Review status: criteria provided, multiple submitters, no conflicts (2 of 4 stars). 3 submissions from 3 submitters: Benign (1); Likely benign (1). 1 of the submissions does not count toward it. Last evaluated 2024-09-18.

Conditions:
TUBB2A-related disorder. Also called: TUBB2A-related condition.

Allele frequency attached by ClinVar (database versions not stated): gnomAD exomes 0.00013; ESP Exome Variant Server 0.00031; ExAC 0.00047.

Submissions (3):

Blueprint Genetics
Classification: Likely benign. Last evaluated: 2024-09-18. Review status: criteria provided, single submitter. Criteria: ACMG Guidelines, 2015. Collection method: clinical testing. Allele origin: germline.

GeneDx
Classification: Benign. Last evaluated: 2020-05-18. Review status: criteria provided, single submitter. Criteria: GeneDx Variant Classification Process June 2021. Collection method: clinical testing. Allele origin: germline. Affected: yes.

PreventionGenetics, part of Exact Sciences
Classification: Likely benign for TUBB2A-related condition. Last evaluated: 2020-02-05. Review status: no assertion criteria provided. Collection method: clinical testing. Allele origin: germline. Not counted in ClinVar's aggregate classification.
Comment: This variant is classified as likely benign based on ACMG/AMP sequence variant interpretation guidelines (Richards et al. 2015 PMID: 25741868, with internal and published modifications).

NM_001069.3(TUBB2A):c.96C>T (p.Pro32=)

Gene: TUBB2A (tubulin beta 2A class IIa; minus strand). Cytogenetic location: 6p25.2.
Variant type: single nucleotide variant.
Coding change: c.96C>T on transcript NM_001069.3 (MANE Select); coding-DNA position 96, C replaced by T.
Protein change: p.Pro32=; no amino-acid change (proline 32 retained).
Molecular consequence: synonymous variant. On other transcripts: 5 prime UTR variant (1).
Genome position (GRCh38, 1-based): chr6:3,156,114, G>A on the plus strand (C>T on the coding strand, the complement: TUBB2A is on the minus strand). VCF-style: chr6-3156114-G-A. GRCh37 (hg19) VCF-style: chr6-3156348-G-A.
Other names: c.-292C>T (NM_001310315.2).
Identifiers: ClinVar variation 1235366 (VCV001235366.6), dbSNP rs376336514, ClinGen allele CA3619081.